The following is an entry in ClinVar:

NM_020812.4(DOCK6):c.3478C>T (p.Arg1160Cys)

Gene: DOCK6 (dedicator of cytokinesis 6; minus strand). Cytogenetic location: 19p13.2.
Variant type: single nucleotide variant.
Coding change: c.3478C>T on transcript NM_020812.4 (MANE Select); coding-DNA position 3478, C replaced by T.
Protein change: p.Arg1160Cys; replaces arginine 1160 with cysteine.
Molecular consequence: missense variant.
Genome position (GRCh38, 1-based): chr19:11,221,923, G>A on the plus strand (C>T on the coding strand, the complement: DOCK6 is on the minus strand). VCF-style: chr19-11221923-G-A. GRCh37 (hg19) VCF-style: chr19-11332599-G-A.
Other names: c.3583C>T, p.Arg1195Cys (NM_001367830.1); short protein forms R1160C, R1195C.
Identifiers: ClinVar variation 1927172 (VCV001927172.5), dbSNP rs199927990, ClinGen allele CA9207248.

ClinVar aggregate classification (germline): Uncertain significance (1 of 4 stars; one submission).

Allele frequency attached by ClinVar (database versions not stated): gnomAD exomes 0.00001; ExAC 0.00002; gnomAD 0.00002; TOPMed 0.00006; 1000 Genomes Project 0.00020; 1000 Genomes Project 30x 0.00031.
gnomAD v4.1: 25 of 1,613,418 alleles (0.0015%); highest among the groups gnomAD compares: African/African-American, 0.008%; no homozygotes.

Submission:

Labcorp Genetics (formerly Invitae), Labcorp
Classification: Uncertain significance. Last evaluated: 2022-07-27. Review status: criteria provided, single submitter. Criteria: Invitae Variant Classification Sherloc (09022015). Collection method: clinical testing. Allele origin: germline.
Comment: This variant is present in population databases (rs199927990, gnomAD 0.003%). In summary, the available evidence is currently insufficient to determine the role of this variant in disease. Therefore, it has been classified as a Variant of Uncertain Significance. Algorithms developed to predict the effect of missense changes on protein structure and function output the following: SIFT: "Tolerated"; PolyPhen-2: "Benign"; Align-GVGD: "Class C0". The cysteine amino acid residue is found in multiple mammalian species, which suggests that this missense change does not adversely affect protein function. This variant has not been reported in the literature in individuals affected with DOCK6-related conditions. This sequence change replaces arginine, which is basic and polar, with cysteine, which is neutral and slightly polar, at codon 1160 of the DOCK6 protein (p.Arg1160Cys).